The following is an entry in ClinVar:

ClinVar aggregate classification (germline): Uncertain significance (1 of 4 stars; one submission).

Submission:

Labcorp Genetics (formerly Invitae), Labcorp
Classification: Uncertain significance. Last evaluated: 2025-02-19. Review status: criteria provided, single submitter. Criteria: Invitae Variant Classification Sherloc (09022015). Collection method: clinical testing. Allele origin: germline.
Comment: This sequence change replaces valine, which is neutral and non-polar, with glutamic acid, which is acidic and polar, at codon 291 of the KCNJ11 protein (p.Val291Glu). This variant is not present in population databases (gnomAD no frequency). This variant has not been reported in the literature in individuals affected with KCNJ11-related conditions. Invitae Evidence Modeling of protein sequence and biophysical properties (such as structural, functional, and spatial information, amino acid conservation, physicochemical variation, residue mobility, and thermodynamic stability) indicates that this missense variant is expected to disrupt KCNJ11 protein function with a positive predictive value of 95%. In summary, the available evidence is currently insufficient to determine the role of this variant in disease. Therefore, it has been classified as a Variant of Uncertain Significance.

NM_000525.4(KCNJ11):c.872T>A (p.Val291Glu)

Gene: KCNJ11 (potassium inwardly rectifying channel subfamily J member 11; minus strand). Cytogenetic location: 11p15.1.
Variant type: single nucleotide variant.
Coding change: c.872T>A on transcript NM_000525.4 (MANE Select); coding-DNA position 872, T replaced by A.
Protein change: p.Val291Glu; replaces valine 291 with glutamic acid.
Molecular consequence: missense variant.
Genome position (GRCh38, 1-based): chr11:17,387,220, A>T on the plus strand (T>A on the coding strand, the complement: KCNJ11 is on the minus strand). VCF-style: chr11-17387220-A-T. GRCh37 (hg19) VCF-style: chr11-17408767-A-T.
Other names: c.611T>A, p.Val204Glu (NM_001166290.2, NM_001377296.1, NM_001377297.1); short protein forms V204E, V291E.
Identifiers: ClinVar variation 4800388 (VCV004800388.1).
Genomic context (GRCh38, chr11:17,387,220, plus strand): 5'-CACAGGATCTCATCGGCCAGGTAGGAGGTGCGGGCCTGGGTGGTGATGCCCGTGGTTTCC[A>T]CCACGCCTTCCAGGATGACGATGATCTCGAGGTCCTGGTGGTGGTGCAGGTCGCTGGGTG-3'
Protein context (NP_000516.3, residues 281-301): LEIIVILEGV[Val291Glu]ETTGITTQAR